The following is an entry in ClinVar:

ClinVar aggregate classification (germline): Uncertain significance. Review status: criteria provided, multiple submitters, no conflicts (2 of 4 stars). 2 submissions from 2 submitters: Uncertain significance (2). Last evaluated 2025-10-03.

Conditions:
Episodic pain syndrome, familial, 2 (FEPS2). Identifiers: Orphanet 306577, MedGen C3809893, MONDO:0014246, OMIM 615551.
Cardiovascular phenotype. Identifiers: MedGen CN230736.

Allele frequency attached by ClinVar (database versions not stated): TOPMed below 0.00001.
gnomAD v4.1: 6 of 1,614,206 alleles (0.00037%); highest among the groups gnomAD compares: Non-Finnish European, 0.00042%; no homozygotes.

Submissions (2):

Rare Kidney Stone Consortium and the Mayo Clinic Hyperoxaluria Center, Mayo Clinic
Classification: Uncertain significance for Episodic pain syndrome, familial, 2. Last evaluated: 2025-10-03. Review status: criteria provided, single submitter. Criteria: ACMG Guidelines, 2015. Collection method: research. Allele origin: germline. Observed: 1 variant allele.
Comment: ACMG:PM2, PP3

Ambry Genetics
Classification: Uncertain significance for Cardiovascular phenotype. Last evaluated: 2022-04-09. Review status: criteria provided, single submitter. Criteria: Ambry Variant Classification Scheme 2023. Collection method: clinical testing. Allele origin: germline.
Comment: The p.T1215I variant (also known as c.3644C>T), located in coding exon 20 of the SCN10A gene, results from a C to T substitution at nucleotide position 3644. The threonine at codon 1215 is replaced by isoleucine, an amino acid with similar properties. This amino acid position is conserved. In addition, this alteration is predicted to be deleterious by in silico analysis. Since supporting evidence is limited at this time, the clinical significance of this alteration remains unclear.

Literature cited by the submitters: PubMed 40794449 (cited by Rare Kidney Stone Consortium and the Mayo Clinic Hyperoxaluria Center, Mayo Clinic).

NM_006514.4(SCN10A):c.3644C>T (p.Thr1215Ile)

Gene: SCN10A (sodium voltage-gated channel alpha subunit 10; minus strand). Cytogenetic location: 3p22.2.
Variant type: single nucleotide variant.
Coding change: c.3644C>T on transcript NM_006514.4 (MANE Select); coding-DNA position 3644, C replaced by T.
Protein change: p.Thr1215Ile; replaces threonine 1215 with isoleucine.
Molecular consequence: missense variant.
Genome position (GRCh38, 1-based): chr3:38,718,690, G>A on the plus strand (C>T on the coding strand, the complement: SCN10A is on the minus strand). VCF-style: chr3-38718690-G-A. GRCh37 (hg19) VCF-style: chr3-38760181-G-A.
Other names: c.3641C>T, p.Thr1214Ile (NM_001293306.2); c.3350C>T, p.Thr1117Ile (NM_001293307.2); short protein forms T1117I, T1214I, T1215I.
Identifiers: ClinVar variation 1733537 (VCV001733537.3), dbSNP rs1476670496, ClinGen allele CA352152861.
Genomic context (GRCh38, chr3:38,718,690, plus strand): 5'-CGTGTTCCCACTGAGCCACTCACATTCACAATGAGGAAGTCCAGCCAGCACCAGGCATTG[G>A]TGAAGTACTTTTTGAAGCCATAGGCCACCCACTTAAGCAGCATCTCGAACACAAAGATAA-3'
Protein context (NP_006505.4, residues 1205-1225): WVAYGFKKYF[Thr1215Ile]NAWCWLDFLI